The following is an entry in ClinVar:

NM_001903.5(CTNNA1):c.611G>A (p.Arg204His)

Gene: CTNNA1 (catenin alpha 1; plus strand). Cytogenetic location: 5q31.2.
Variant type: single nucleotide variant.
Coding change: c.611G>A on transcript NM_001903.5 (MANE Select); coding-DNA position 611, G replaced by A.
Protein change: p.Arg204His; replaces arginine 204 with histidine.
Molecular consequence: missense variant.
Genome position (GRCh38, 1-based): chr5:138,824,552, G>A. VCF-style: chr5-138824552-G-A. GRCh37 (hg19) VCF-style: chr5-138160241-G-A.
Other names: c.611G>A, p.Arg204His (NM_001290307.3, NM_001323982.2, NM_001323983.1 and 3 more transcripts); c.302G>A, p.Arg101His (NM_001290309.3); c.242G>A, p.Arg81His (NM_001290310.3); short protein forms R81H, R204H, R101H.
Identifiers: ClinVar variation 650874 (VCV000650874.14), dbSNP rs1025792545, ClinGen allele CA128228922.

ClinVar aggregate classification (germline): Conflicting classifications of pathogenicity. Review status: criteria provided, conflicting classifications (1 of 4 stars). 5 submissions from 5 submitters: Uncertain significance (2); Likely benign (3). Last evaluated 2025-11-24.

Conditions:
Hereditary diffuse gastric adenocarcinoma (HDGC). Also called: DIFFUSE GASTRIC AND LOBULAR BREAST CANCER SYNDROME. Identifiers: Orphanet 26106, MedGen C1708349, MONDO:0007648, OMIM 137215.
Hereditary cancer-predisposing syndrome. Also called: Neoplastic Syndromes, Hereditary; Hereditary Cancer Syndrome; Tumor predisposition; Hereditary neoplastic syndrome. Identifiers: Orphanet 140162, MedGen C0027672, MeSH D009386, MONDO:0015356.

Allele frequency attached by ClinVar (database versions not stated): gnomAD 0.00001; gnomAD exomes 0.00001.
gnomAD v4.1: 16 of 1,613,860 alleles (0.00099%); highest among the groups gnomAD compares: Middle Eastern, 0.016%; no homozygotes.

Submissions (5):

Labcorp Genetics (formerly Invitae), Labcorp
Classification: Uncertain significance. Last evaluated: 2025-11-24. Review status: criteria provided, single submitter. Criteria: Invitae Variant Classification Sherloc (09022015). Collection method: clinical testing. Allele origin: germline.
Comment: This sequence change replaces arginine, which is basic and polar, with histidine, which is basic and polar, at codon 204 of the CTNNA1 protein (p.Arg204His). This variant is present in population databases (no rsID available, gnomAD 0.009%). This variant has not been reported in the literature in individuals affected with CTNNA1-related conditions. ClinVar contains an entry for this variant (Variation ID: 650874). Invitae Evidence Modeling of protein sequence and biophysical properties (such as structural, functional, and spatial information, amino acid conservation, physicochemical variation, residue mobility, and thermodynamic stability) has been performed for this missense variant. However, the output from this modeling did not meet the statistical confidence thresholds required to predict the impact of this variant on CTNNA1 protein function. In summary, the available evidence is currently insufficient to determine the role of this variant in disease. Therefore, it has been classified as a Variant of Uncertain Significance.

GeneDx
Classification: Uncertain significance. Last evaluated: 2024-03-29. Review status: criteria provided, single submitter. Criteria: GeneDx Variant Classification Process June 2021. Collection method: clinical testing. Allele origin: germline. Affected: yes.
Comment: In silico analysis supports that this missense variant has a deleterious effect on protein structure/function; Has not been previously published as pathogenic or benign to our knowledge; This variant is associated with the following publications: (PMID: 32051609)

Myriad Genetics, Inc.
Classification: Likely benign for Hereditary diffuse gastric adenocarcinoma. Last evaluated: 2024-01-17. Review status: criteria provided, single submitter. Criteria: Myriad Autosomal Dominant, Autosomal Recessive and X-Linked Classification Criteria (2023). Collection method: clinical testing. Allele origin: unknown.
Comment: This variant is considered likely benign. Homozygosity has been confirmed in one or more individuals. As homozygosity for pathogenic variants in this gene is generally assumed to result in embryonic lethality, this variant is unlikely to be pathogenic.

Ambry Genetics
Classification: Likely benign for Hereditary cancer-predisposing syndrome. Last evaluated: 2022-05-13. Review status: criteria provided, single submitter. Criteria: Ambry Variant Classification Scheme 2023. Collection method: clinical testing. Allele origin: germline.

Blueprint Genetics
Classification: Likely benign. Last evaluated: 2020-03-04. Review status: criteria provided, single submitter. Criteria: ACMG Guidelines, 2015. Collection method: clinical testing. Allele origin: germline.